The following is an entry in ClinVar:

ClinVar aggregate classification (germline): Uncertain significance (1 of 4 stars; one submission).

Conditions:
Hereditary cancer-predisposing syndrome. Also called: Hereditary Cancer Syndrome; Hereditary neoplastic syndrome; Neoplastic Syndromes, Hereditary; Tumor predisposition. Identifiers: Orphanet 140162, MedGen C0027672, MeSH D009386, MONDO:0015356.

Submission:

Ambry Genetics
Classification: Uncertain significance for Hereditary cancer-predisposing syndrome. Last evaluated: 2021-08-10. Review status: criteria provided, single submitter. Criteria: Ambry Variant Classification Scheme 2023. Collection method: clinical testing. Allele origin: germline.
Comment: The p.Q394E variant (also known as c.1180C>G), located in coding exon 7 of the DICER1 gene, results from a C to G substitution at nucleotide position 1180. The glutamine at codon 394 is replaced by glutamic acid, an amino acid with highly similar properties. This amino acid position is highly conserved in available vertebrate species. In addition, the in silico prediction for this alteration is inconclusive. Since supporting evidence is limited at this time, the clinical significance of this alteration remains unclear.

NM_177438.3(DICER1):c.1180C>G (p.Gln394Glu)

Gene: DICER1 (dicer 1, ribonuclease III; minus strand). Cytogenetic location: 14q32.13.
Variant type: single nucleotide variant.
Coding change: c.1180C>G on transcript NM_177438.3 (MANE Select); coding-DNA position 1180, C replaced by G.
Protein change: p.Gln394Glu; replaces glutamine 394 with glutamic acid.
Molecular consequence: missense variant. On other transcripts: 5 prime UTR variant (1), non-coding transcript variant (6).
Genome position (GRCh38, 1-based): chr14:95,124,392, G>C on the plus strand (C>G on the coding strand, the complement: DICER1 is on the minus strand). VCF-style: chr14-95124392-G-C. GRCh37 (hg19) VCF-style: chr14-95590729-G-C.
Other names: c.1180C>G, p.Gln394Glu (NM_001195573.1, NM_001271282.3, NM_001291628.2 and 15 more transcripts); c.898C>G, p.Gln300Glu (NM_001395686.1); c.775C>G, p.Gln259Glu (NM_001395687.1, NM_001395688.1, NM_001395689.1 and 3 more transcripts); c.613C>G, p.Gln205Glu (NM_001395691.1); c.-389C>G (NM_001395697.1); short protein forms Q205E, Q259E, Q300E, Q394E.
Identifiers: ClinVar variation 1742106 (VCV001742106.2), dbSNP rs2543177610, ClinGen allele CA390886787.